The following is an entry in ClinVar:

ClinVar aggregate classification (germline): Pathogenic. Review status: criteria provided, multiple submitters, no conflicts (2 of 4 stars). 2 submissions from 2 submitters: Pathogenic (2). Last evaluated 2025-03-09.

Conditions:
Duchenne muscular dystrophy (DMD). Also called: Duchenne Muscular Dystrophy (DMD); MUSCULAR DYSTROPHY, PSEUDOHYPERTROPHIC PROGRESSIVE, DUCHENNE TYPE. Identifiers: Orphanet 98896, MedGen C0013264, MONDO:0010679, OMIM 310200.

Submissions (2):

Labcorp Genetics (formerly Invitae), Labcorp
Classification: Pathogenic for Duchenne muscular dystrophy. Last evaluated: 2025-03-09. Review status: criteria provided, single submitter. Criteria: Invitae Variant Classification Sherloc (09022015). Collection method: clinical testing. Allele origin: germline.
Comment: This sequence change affects a donor splice site in intron 29 of the DMD gene. It is expected to disrupt RNA splicing. Variants that disrupt the donor or acceptor splice site typically lead to a loss of protein function (PMID: 16199547), and loss-of-function variants in DMD are known to be pathogenic (PMID: 16770791, 25007885). This variant is not present in population databases (gnomAD no frequency). Disruption of this splice site has been observed in individual(s) with Becker muscular dystrophy (PMID: 18684626, 31081998). Algorithms developed to predict the effect of sequence changes on RNA splicing suggest that this variant may disrupt the consensus splice site. For these reasons, this variant has been classified as Pathogenic.

3billion
Classification: Pathogenic for Duchenne muscular dystrophy. Last evaluated: 2024-08-08. Review status: criteria provided, single submitter. Criteria: ACMG Guidelines, 2015. Collection method: clinical testing. Allele origin: germline. Affected: yes.
Comment: The variant is not observed in the gnomAD v4.0.0 dataset. Predicted Consequence/Location: Canonical splice site: predicted to alter splicing and result in a loss or disruption of normal protein function. Multiple pathogenic loss-of-function variants are reported downstream of the variant. In silico tools predict the variant to alter splicing and produce an abnormal transcript [SpliceAI: 0.98 (spliceogenicity >=0.2, non-spliceogenicity <0.1)]. The variant has been reported to be associated with DMD related disorder (PMID: 18684626). Therefore, this variant is classified as Pathogenic according to the recommendation of ACMG/AMP guideline.

Literature cited by the submitters: PubMed 16199547 (cited by Labcorp Genetics (formerly Invitae), Labcorp); PubMed 16770791 (cited by Labcorp Genetics (formerly Invitae), Labcorp); PubMed 25007885 (cited by Labcorp Genetics (formerly Invitae), Labcorp); PubMed 18684626 (cited by Labcorp Genetics (formerly Invitae), Labcorp and 3billion); PubMed 31081998 (cited by Labcorp Genetics (formerly Invitae), Labcorp).

NM_004006.3(DMD):c.4071+1G>T

Gene: DMD (dystrophin; minus strand). Cytogenetic location: Xp21.1.
Variant type: single nucleotide variant.
Coding change: c.4071+1G>T on transcript NM_004006.3 (MANE Select); the canonical splice donor site of the intron after coding-DNA position 4071, G replaced by T.
Molecular consequence: splice donor variant.
Genome position (GRCh38, 1-based): chrX:32,438,240, C>A on the plus strand (G>T on the coding strand, the complement: DMD is on the minus strand). VCF-style: chrX-32438240-C-A. GRCh37 (hg19) VCF-style: chrX-32456357-C-A.
Other names: c.4047+1G>T (NM_000109.4); c.4059+1G>T (NM_004009.3); c.3702+1G>T (NM_004010.3).
Identifiers: ClinVar variation 3724163 (VCV003724163.3), dbSNP rs1060502643.